The following is an entry in ClinVar:

NM_006118.4(HAX1):c.305C>T (p.Ser102Phe)

Gene: HAX1 (HCLS1 associated protein X-1; plus strand). Cytogenetic location: 1q21.3.
Variant type: single nucleotide variant.
Coding change: c.305C>T on transcript NM_006118.4 (MANE Select); coding-DNA position 305, C replaced by T.
Protein change: p.Ser102Phe; replaces serine 102 with phenylalanine.
Molecular consequence: missense variant.
Genome position (GRCh38, 1-based): chr1:154,273,587, C>T. VCF-style: chr1-154273587-C-T. GRCh37 (hg19) VCF-style: chr1-154246063-C-T.
Other names: c.161C>T, p.Ser54Phe (NM_001018837.2); short protein forms S54F, S102F.
Identifiers: ClinVar variation 4824271 (VCV004824271.1).

ClinVar aggregate classification (germline): Uncertain significance (1 of 4 stars; one submission).

Conditions:
Inborn genetic diseases. Identifiers: MedGen C0950123, MeSH D030342.

gnomAD v4.1: 1 of 1,614,116 alleles (0.000062%); highest among the groups gnomAD compares: Non-Finnish European, 0.000085%; no homozygotes.

Submission:

Ambry Genetics
Classification: Uncertain significance for Inborn genetic diseases. Last evaluated: 2026-01-18. Review status: criteria provided, single submitter. Criteria: Ambry Variant Classification Scheme 2023. Collection method: clinical testing. Allele origin: germline.
Comment: The p.S102F variant (also known as c.305C>T), located in coding exon 2 of the HAX1 gene, results from a C to T substitution at nucleotide position 305. The serine at codon 102 is replaced by phenylalanine, an amino acid with highly dissimilar properties. This amino acid position is conserved. In addition, this alteration is predicted to be tolerated by in silico analysis. Based on the available evidence, the clinical significance of this variant remains unclear.